The following is an entry in ClinVar:

NM_001130144.3(LTBP3):c.1399C>T (p.His467Tyr)

Gene: LTBP3 (latent transforming growth factor beta binding protein 3; minus strand). Cytogenetic location: 11q13.1.
Variant type: single nucleotide variant.
Coding change: c.1399C>T on transcript NM_001130144.3 (MANE Select); coding-DNA position 1399, C replaced by T.
Protein change: p.His467Tyr; replaces histidine 467 with tyrosine.
Molecular consequence: missense variant.
Genome position (GRCh38, 1-based): chr11:65,552,104, G>A on the plus strand (C>T on the coding strand, the complement: LTBP3 is on the minus strand). VCF-style: chr11-65552104-G-A. GRCh37 (hg19) VCF-style: chr11-65319575-G-A.
Other names: c.1048C>T, p.His350Tyr (NM_001164266.1); c.1399C>T, p.His467Tyr (NM_021070.4); short protein forms H350Y, H467Y.
Identifiers: ClinVar variation 3682215 (VCV003682215.2).

ClinVar aggregate classification (germline): Uncertain significance (1 of 4 stars; one submission).

Conditions:
Brachyolmia-amelogenesis imperfecta syndrome. Also called: PLATYSPONDYLY WITH AMELOGENESIS IMPERFECTA; Tooth agenesis, selective, 6; Dental anomalies and short stature. Identifiers: Orphanet 2899, MedGen C1832594, MONDO:0011018, OMIM 601216. Disease mechanism: loss of function.

Submission:

Labcorp Genetics (formerly Invitae), Labcorp
Classification: Uncertain significance for Brachyolmia-amelogenesis imperfecta syndrome. Last evaluated: 2024-03-13. Review status: criteria provided, single submitter. Criteria: Invitae Variant Classification Sherloc (09022015). Collection method: clinical testing. Allele origin: germline.
Comment: This sequence change replaces histidine, which is basic and polar, with tyrosine, which is neutral and polar, at codon 467 of the LTBP3 protein (p.His467Tyr). This variant is not present in population databases (gnomAD no frequency). This variant has not been reported in the literature in individuals affected with LTBP3-related conditions. An algorithm developed to predict the effect of missense changes on protein structure and function (PolyPhen-2) suggests that this variant is likely to be tolerated. In summary, the available evidence is currently insufficient to determine the role of this variant in disease. Therefore, it has been classified as a Variant of Uncertain Significance.